The following is an entry in ClinVar:

NM_004064.5(CDKN1B):c.227G>T (p.Trp76Leu)

Gene: CDKN1B (cyclin dependent kinase inhibitor 1B; plus strand). Cytogenetic location: 12p13.1.
Variant type: single nucleotide variant.
Coding change: c.227G>T on transcript NM_004064.5 (MANE Select); coding-DNA position 227, G replaced by T.
Protein change: p.Trp76Leu; replaces tryptophan 76 with leucine.
Molecular consequence: missense variant.
Genome position (GRCh38, 1-based): chr12:12,718,066, G>T. VCF-style: chr12-12718066-G-T. GRCh37 (hg19) VCF-style: chr12-12871000-G-T.
Other names: short protein forms W76L.
Identifiers: ClinVar variation 4868638 (VCV004868638.1).

ClinVar aggregate classification (germline): Uncertain significance (1 of 4 stars; one submission).

Conditions:
Hereditary cancer-predisposing syndrome. Also called: Neoplastic Syndromes, Hereditary; Tumor predisposition; Hereditary Cancer Syndrome; Hereditary neoplastic syndrome. Identifiers: Orphanet 140162, MedGen C0027672, MeSH D009386, MONDO:0015356.

Submission:

Ambry Genetics
Classification: Uncertain significance for Hereditary cancer-predisposing syndrome. Last evaluated: 2026-06-02. Review status: criteria provided, single submitter. Criteria: Ambry Variant Classification Scheme 2023. Collection method: clinical testing. Allele origin: germline.
Comment: The p.W76L variant (also known as c.227G>T), located in coding exon 1 of the CDKN1B gene, results from a G to T substitution at nucleotide position 227. The tryptophan at codon 76 is replaced by leucine, an amino acid with similar properties. This amino acid position is highly conserved in available vertebrate species. In addition, this alteration is predicted to be deleterious by in silico analysis. Based on the available evidence, the clinical significance of this variant remains unclear.